The following is an entry in ClinVar:

ClinVar aggregate classification (germline): Uncertain significance (1 of 4 stars; one submission).

Conditions:
Primary dilated cardiomyopathy (DCM). Also called: Dilated Cardiomyopathy. Identifiers: Orphanet 217604, MedGen C0007193, MeSH D002311, MONDO:0005021, HP:0001644. Inheritance: Various modes of inheritance.

Submission:

Labcorp Genetics (formerly Invitae), Labcorp
Classification: Uncertain significance for Primary dilated cardiomyopathy. Last evaluated: 2024-01-04. Review status: criteria provided, single submitter. Criteria: Invitae Variant Classification Sherloc (09022015). Collection method: clinical testing. Allele origin: unknown.
Comment: This variant results in the deletion of exons 5-6 and part of exon 4 (c.338_528+63del) of the TXNRD2 gene. It is expected to disrupt RNA splicing. Variants that disrupt the donor or acceptor splice site typically lead to a loss of protein function (PMID: 16199547), however the current clinical and genetic evidence is not sufficient to establish whether loss-of-function variants in TXNRD2 cause disease. This variant has not been reported in the literature in individuals affected with TXNRD2-related conditions. In summary, the available evidence is currently insufficient to determine the role of this variant in disease. Therefore, it has been classified as a Variant of Uncertain Significance.

Literature cited by the submitters: PubMed 16199547.

NC_000022.10:g.(?_19903225)_(19906419_?)del

Gene: TXNRD2 (thioredoxin reductase 2; minus strand). Cytogenetic location: 22q11.21.
Variant type: Deletion.
Identifiers: ClinVar variation 3247005 (VCV003247005.1).